The following is an entry in ClinVar:

ClinVar aggregate classification (germline): Conflicting classifications of pathogenicity. Review status: criteria provided, conflicting classifications (1 of 4 stars). 2 submissions from 2 submitters: Uncertain significance (1); Likely benign (1). Last evaluated 2021-12-26.

Conditions:
Ichthyosis linearis circumflexa. Identifiers: MedGen C0265962, MONDO:0043106, HP:0025810.
Netherton syndrome (NETH). Also called: NETHERTON DISEASE; ERYTHRODERMA, ICHTHYOSIFORM, WITH HYPOTRICHOSIS AND HYPER-IgE; COMEL-NETHERTON SYNDROME. Identifiers: Orphanet 634, MedGen C5574950, MONDO:0009735, OMIM 256500.

Submissions (2):

Labcorp Genetics (formerly Invitae), Labcorp
Classification: Likely benign for Ichthyosis linearis circumflexa. Last evaluated: 2021-12-26. Review status: criteria provided, single submitter. Criteria: Invitae Variant Classification Sherloc (09022015). Collection method: clinical testing. Allele origin: germline.

Center for Genomics, Ann and Robert H. Lurie Children's Hospital of Chicago
Classification: Uncertain significance for Netherton syndrome. Last evaluated: 2021-03-30. Review status: criteria provided, single submitter. Criteria: ACMG Guidelines, 2015. Collection method: clinical testing. Allele origin: germline.
Comment: SPINK5: NM_006846 exon 10 (c.795-11A>G): This variant has not been reported in the literature and is not present in large control databases. Evolutionary conservation and computational predictive tools for this variant are limited or unavailable. This variant is an intronic variant with no predicted change in the amino acid sequence but may have an unknown effect on splicing. Further studies are needed to understand its impact. In summary, data on this variant is insufficient for disease classification. Therefore, the clinical significance of this variant is uncertain.

NM_006846.4(SPINK5):c.795-11A>G

Gene: SPINK5 (serine peptidase inhibitor Kazal type 5; plus strand). Cytogenetic location: 5q32.
Variant type: single nucleotide variant.
Coding change: c.795-11A>G on transcript NM_006846.4 (MANE Select); 11 bases into the intron before coding-DNA position 795, A replaced by G.
Molecular consequence: intron variant.
Genome position (GRCh38, 1-based): chr5:148,095,807, A>G. VCF-style: chr5-148095807-A-G. GRCh37 (hg19) VCF-style: chr5-147475370-A-G.
Other names: c.795-11A>G (NM_001127698.2, NM_001127699.2).
Identifiers: ClinVar variation 626173 (VCV000626173.6), dbSNP rs1561685366, ClinGen allele CA913189665.